The following is an entry in ClinVar:

ClinVar aggregate classification (germline): Uncertain significance (1 of 4 stars; one submission).

Conditions:
Catecholaminergic polymorphic ventricular tachycardia 1. Also called: VENTRICULAR TACHYCARDIA, STRESS-INDUCED POLYMORPHIC 1; VENTRICULAR TACHYCARDIA, CATECHOLAMINERGIC POLYMORPHIC, 1, WITH OR WITHOUT ATRIAL DYSFUNCTION AND/OR DILATED CARDIOMYOPATHY; RYR2-Related Catecholaminergic Polymorphic Ventricular Tachycardia. Identifiers: Orphanet 3286, MedGen C1631597, MONDO:0011484, OMIM 604772.

Submission:

Labcorp Genetics (formerly Invitae), Labcorp
Classification: Uncertain significance for Catecholaminergic polymorphic ventricular tachycardia 1. Last evaluated: 2025-08-26. Review status: criteria provided, single submitter. Criteria: Invitae Variant Classification Sherloc (09022015). Collection method: clinical testing. Allele origin: germline.
Comment: This sequence change replaces methionine, which is neutral and non-polar, with arginine, which is basic and polar, at codon 309 of the RYR2 protein (p.Met309Arg). This variant is not present in population databases (gnomAD no frequency). This variant has not been reported in the literature in individuals affected with RYR2-related conditions. Invitae Evidence Modeling of protein sequence and biophysical properties (such as structural, functional, and spatial information, amino acid conservation, physicochemical variation, residue mobility, and thermodynamic stability) indicates that this missense variant is not expected to disrupt RYR2 protein function with a negative predictive value of 95%. In summary, the available evidence is currently insufficient to determine the role of this variant in disease. Therefore, it has been classified as a Variant of Uncertain Significance.

NM_001035.3(RYR2):c.926T>G (p.Met309Arg)

Gene: RYR2 (ryanodine receptor 2; plus strand). Cytogenetic location: 1q43.
Variant type: single nucleotide variant.
Coding change: c.926T>G on transcript NM_001035.3 (MANE Select); coding-DNA position 926, T replaced by G.
Protein change: p.Met309Arg; replaces methionine 309 with arginine.
Molecular consequence: missense variant.
Genome position (GRCh38, 1-based): chr1:237,423,169, T>G. VCF-style: chr1-237423169-T-G. GRCh37 (hg19) VCF-style: chr1-237586469-T-G.
Other names: short protein forms M309R.
Identifiers: ClinVar variation 4805795 (VCV004805795.1).